The following is an entry in ClinVar:

NM_001378454.1(ALMS1):c.6183G>T (p.Gln2061His)

Gene: ALMS1 (ALMS1 centrosome and basal body associated protein; plus strand). Cytogenetic location: 2p13.1.
Variant type: single nucleotide variant.
Coding change: c.6183G>T on transcript NM_001378454.1 (MANE Select); coding-DNA position 6183, G replaced by T.
Protein change: p.Gln2061His; replaces glutamine 2061 with histidine.
Molecular consequence: missense variant.
Genome position (GRCh38, 1-based): chr2:73,452,710, G>T. VCF-style: chr2-73452710-G-T. GRCh37 (hg19) VCF-style: chr2-73679837-G-T.
Other names: c.6186G>T, p.Gln2062His (NM_015120.4); short protein forms Q2062H, Q2061H.
Identifiers: ClinVar variation 1986850 (VCV001986850.1), dbSNP rs200041852, ClinGen allele CA347285208.
Genomic context (GRCh38, chr2:73,452,710, plus strand): 5'-GACAGCTTTTCATAGTTCCTATTCTCAAACAGTAAAGCCCAATATTTTATTTCAACAGCA[G>T]TTGCCAGATAGAGATCAAAGTAAAGGTATTCTAAAGATTTCAGCTGTCCCTGAACTAACT-3'
Protein context (NP_001365383.1, residues 2051-2071): TVKPNILFQQ[Gln2061His]LPDRDQSKGI

ClinVar aggregate classification (germline): Uncertain significance (1 of 4 stars; one submission).

Conditions:
Alstrom syndrome (ALMS). Identifiers: Orphanet 64, MedGen C0268425, MONDO:0008763, OMIM 203800.

Submission:

Labcorp Genetics (formerly Invitae), Labcorp
Classification: Uncertain significance for Alstrom syndrome. Last evaluated: 2022-07-23. Review status: criteria provided, single submitter. Criteria: Invitae Variant Classification Sherloc (09022015). Collection method: clinical testing. Allele origin: germline.
Comment: This sequence change replaces glutamine, which is neutral and polar, with histidine, which is basic and polar, at codon 2062 of the ALMS1 protein (p.Gln2062His). This variant is not present in population databases (gnomAD no frequency). This variant has not been reported in the literature in individuals affected with ALMS1-related conditions. Experimental studies and prediction algorithms are not available or were not evaluated, and the functional significance of this variant is currently unknown. In summary, the available evidence is currently insufficient to determine the role of this variant in disease. Therefore, it has been classified as a Variant of Uncertain Significance.